The following is an entry in ClinVar:

ClinVar aggregate classification (germline): Uncertain significance (1 of 4 stars; one submission).

Allele frequency attached by ClinVar (database versions not stated): gnomAD exomes below 0.00001.
gnomAD v4.1: 1 of 1,500,488 alleles (0.000067%); highest among the groups gnomAD compares: Admixed American, 0.0024%; no homozygotes.

Submission:

Labcorp Genetics (formerly Invitae), Labcorp
Classification: Uncertain significance. Last evaluated: 2024-01-10. Review status: criteria provided, single submitter. Criteria: Invitae Variant Classification Sherloc (09022015). Collection method: clinical testing. Allele origin: germline.
Comment: This sequence change replaces valine, which is neutral and non-polar, with methionine, which is neutral and non-polar, at codon 18 of the LONP1 protein (p.Val18Met). This variant is not present in population databases (gnomAD no frequency). This variant has not been reported in the literature in individuals affected with LONP1-related conditions. An algorithm developed to predict the effect of missense changes on protein structure and function (PolyPhen-2) suggests that this variant is likely to be tolerated. In summary, the available evidence is currently insufficient to determine the role of this variant in disease. Therefore, it has been classified as a Variant of Uncertain Significance.

NM_004793.4(LONP1):c.52G>A (p.Val18Met)

Gene: LONP1 (lon peptidase 1, mitochondrial; minus strand). Cytogenetic location: 19p13.3.
Variant type: single nucleotide variant.
Coding change: c.52G>A on transcript NM_004793.4 (MANE Select); coding-DNA position 52, G replaced by A.
Protein change: p.Val18Met; replaces valine 18 with methionine.
Molecular consequence: missense variant. On other transcripts: non-coding transcript variant (1), intron variant (1).
Genome position (GRCh38, 1-based): chr19:5,720,081, C>T on the plus strand (G>A on the coding strand, the complement: LONP1 is on the minus strand). VCF-style: chr19-5720081-C-T. GRCh37 (hg19) VCF-style: chr19-5720092-C-T.
Other names: c.52G>A, p.Val18Met (NM_001276479.2); c.-160+138G>A (NM_001276480.1); short protein forms V18M.
Identifiers: ClinVar variation 3005885 (VCV003005885.3), dbSNP rs1027859589, ClinGen allele CA304645937.